The following is an entry in ClinVar:

NM_001025356.3(ANO6):c.1612+1G>T

Gene: ANO6 (anoctamin 6; plus strand). Cytogenetic location: 12q12.
Variant type: single nucleotide variant.
Coding change: c.1612+1G>T on transcript NM_001025356.3 (MANE Select); the canonical splice donor site of the intron after coding-DNA position 1612, G replaced by T.
Molecular consequence: splice donor variant.
Genome position (GRCh38, 1-based): chr12:45,402,021, G>T. VCF-style: chr12-45402021-G-T. GRCh37 (hg19) VCF-style: chr12-45795804-G-T.
Other names: c.1612+1G>T (NM_001142679.2); c.1675+1G>T (NM_001204803.2); c.1579+1G>T (NM_001410973.1); c.1558+1G>T (NM_001142678.2).
Identifiers: ClinVar variation 2030033 (VCV002030033.4), dbSNP rs371740174, ClinGen allele CA384458517.

ClinVar aggregate classification (germline): Likely pathogenic (1 of 4 stars; one submission).

Submission:

Labcorp Genetics (formerly Invitae), Labcorp
Classification: Likely pathogenic. Last evaluated: 2022-09-21. Review status: criteria provided, single submitter. Criteria: Invitae Variant Classification Sherloc (09022015). Collection method: clinical testing. Allele origin: germline.
Comment: Algorithms developed to predict the effect of sequence changes on RNA splicing suggest that this variant may disrupt the consensus splice site. This variant has not been reported in the literature in individuals affected with ANO6-related conditions. This variant is not present in population databases (gnomAD no frequency). This sequence change affects a donor splice site in intron 13 of the ANO6 gene. It is expected to disrupt RNA splicing. Variants that disrupt the donor or acceptor splice site typically lead to a loss of protein function (PMID: 16199547), and loss-of-function variants in ANO6 are known to be pathogenic (PMID: 21107324, 21511967, 27879994). In summary, the currently available evidence indicates that the variant is pathogenic, but additional data are needed to prove that conclusively. Therefore, this variant has been classified as Likely Pathogenic.

Literature cited by the submitters: PubMed 16199547; PubMed 21107324; PubMed 21511967; PubMed 27879994.